The following is an entry in ClinVar:

ClinVar aggregate classification (germline): Uncertain significance. Review status: criteria provided, multiple submitters, no conflicts (2 of 4 stars). 3 submissions from 3 submitters: Uncertain significance (3). Last evaluated 2025-11-26.

Conditions:
Nephronophthisis 12 (NPHP12). Identifiers: Orphanet 655, MedGen C3151186, MONDO:0013442, OMIM 613820.
Asphyxiating thoracic dystrophy 4 (SRTD4). Also called: SHORT-RIB THORACIC DYSPLASIA 4 WITH OR WITHOUT POLYDACTYLY; SHORT-RIB THORACIC DYSPLASIA 4. Identifiers: Orphanet 474, MedGen C3151185, MONDO:0013441, OMIM 613819.
Inborn genetic diseases. Identifiers: MedGen C0950123, MeSH D030342.
TTC21B-related disorder. Also called: TTC21B-related disorders; TTC21B-related condition.

gnomAD v4.1: 2 of 1,606,050 alleles (0.00012%); highest among the groups gnomAD compares: Non-Finnish European, 0.00017%; no homozygotes.

Submissions (3):

Ambry Genetics
Classification: Uncertain significance for Inborn genetic diseases. Last evaluated: 2025-11-26. Review status: criteria provided, single submitter. Criteria: Ambry Variant Classification Scheme 2023. Collection method: clinical testing. Allele origin: germline.

PreventionGenetics, part of Exact Sciences
Classification: Uncertain significance for TTC21B-related condition. Last evaluated: 2025-06-23. Review status: criteria provided, single submitter. Criteria: ACMG Guidelines, 2015. Collection method: clinical testing. Allele origin: germline.
Comment: The TTC21B c.1201C>T variant is predicted to result in the amino acid substitution p.His401Tyr. To our knowledge, this variant has not been reported in the literature or in a large population database (gnomAD), indicating this variant is rare. At this time, the clinical significance of this variant is uncertain due to the absence of conclusive functional and genetic evidence.

Fulgent Genetics
Classification: Uncertain significance for Asphyxiating thoracic dystrophy 4; Nephronophthisis 12. Last evaluated: 2024-05-13. Review status: criteria provided, single submitter. Criteria: ACMG Guidelines, 2015. Collection method: clinical testing. Allele origin: germline.

NM_024753.5(TTC21B):c.1201C>T (p.His401Tyr)

Gene: TTC21B (tetratricopeptide repeat domain 21B; minus strand). Cytogenetic location: 2q24.3.
Variant type: single nucleotide variant.
Coding change: c.1201C>T on transcript NM_024753.5 (MANE Select); coding-DNA position 1201, C replaced by T.
Protein change: p.His401Tyr; replaces histidine 401 with tyrosine.
Molecular consequence: missense variant.
Genome position (GRCh38, 1-based): chr2:165,929,320, G>A on the plus strand (C>T on the coding strand, the complement: TTC21B is on the minus strand). VCF-style: chr2-165929320-G-A. GRCh37 (hg19) VCF-style: chr2-166785830-G-A.
Other names: c.1201C>T (NM_024753.4, NM_024753.3); short protein forms H401Y.
Identifiers: ClinVar variation 3584625 (VCV003584625.3).